The following is an entry in ClinVar:

ClinVar aggregate classification (germline): Likely benign (1 of 4 stars; one submission).

Conditions:
Intellectual developmental disorder, autosomal dominant 45. Also called: MENTAL RETARDATION, AUTOSOMAL DOMINANT 45; Intellectual disability, autosomal dominant 45. Identifiers: MedGen C4539848, MONDO:0030910, OMIM 617600.

Submission:

Centre for Mendelian Genomics, University Medical Centre Ljubljana
Classification: Likely benign for Intellectual developmental disorder, autosomal dominant 45. Last evaluated: 2020-04-02. Review status: criteria provided, single submitter. Criteria: ACMG Guidelines, 2015. Collection method: clinical testing. Allele origin: unknown. Affected: yes.
Comment: This variant was classified as: Likely benign. The following ACMG criteria were applied in classifying this variant: PM2,BP4,BS2.

NM_001386298.1(CIC):c.3180-10C>G

Gene: CIC (capicua transcriptional repressor; plus strand). Cytogenetic location: 19q13.2.
Variant type: single nucleotide variant.
Coding change: c.3180-10C>G on transcript NM_001386298.1 (MANE Select); 10 bases into the intron before coding-DNA position 3180, C replaced by G.
Molecular consequence: intron variant.
Genome position (GRCh38, 1-based): chr19:42,287,310, C>G. VCF-style: chr19-42287310-C-G. GRCh37 (hg19) VCF-style: chr19-42791462-C-G.
Other names: c.3180-10C>G (NM_001304815.2, NM_001379482.1, NM_001379480.1); c.453-10C>G (NM_015125.5, NM_001379484.1, NM_001379485.1).
Identifiers: ClinVar variation 931184 (VCV000931184.3), dbSNP rs28469564, ClinGen allele CA1139666477.